The following is an entry in ClinVar:

NM_178857.6(RP1L1):c.2011C>T (p.Arg671Cys)

Gene: RP1L1 (RP1 like 1). Cytogenetic location: 8p23.1.
Variant type: single nucleotide variant.
Coding change: c.2011C>T on transcript NM_178857.6 (MANE Select); coding-DNA position 2011, C replaced by T.
Protein change: p.Arg671Cys; replaces arginine 671 with cysteine.
Molecular consequence: missense variant.
Genome position (GRCh38, 1-based): chr8:10,612,087, G>A on the plus strand (C>T on the coding strand, the complement: RP1L1 is on the minus strand). VCF-style: chr8-10612087-G-A. GRCh37 (hg19) VCF-style: chr8-10469597-G-A.
Other names: short protein forms R671C.
Identifiers: ClinVar variation 3155809 (VCV003155809.4), dbSNP rs375370418, ClinGen allele CA4624975.

ClinVar aggregate classification (germline): Conflicting classifications of pathogenicity. Review status: criteria provided, conflicting classifications (1 of 4 stars). 4 submissions from 4 submitters: Uncertain significance (2); Likely benign (2). Last evaluated 2025-09-08.

Conditions:
Occult macular dystrophy (OCMD). Also called: OCCULT MACULAR DYSTROPHY, SUSCEPTIBILITY TO; OMD. Identifiers: Orphanet 247834, MedGen C3150833, MONDO:0013316, OMIM 613587, HP:0030636.
Retinitis pigmentosa 88. Identifiers: MedGen C5394208, MONDO:0032940, OMIM 618826.
RP1L1-related disorder. Also called: RP1L1-related condition.
Inborn genetic diseases. Identifiers: MedGen C0950123, MeSH D030342.

Allele frequency attached by ClinVar (database versions not stated): ESP Exome Variant Server 0.00008; 1000 Genomes Project 30x 0.00016; 1000 Genomes Project 0.00020.
gnomAD v4.1: 361 of 1,613,858 alleles (0.022%); highest among the groups gnomAD compares: Non-Finnish European, 0.028%; no homozygotes.

Submissions (4):

PreventionGenetics, part of Exact Sciences
Classification: Uncertain significance for RP1L1-related condition. Last evaluated: 2025-09-08. Review status: criteria provided, single submitter. Criteria: ACMG Guidelines, 2015. Collection method: clinical testing. Allele origin: germline.
Comment: The RP1L1 c.2011C>T variant is predicted to result in the amino acid substitution p.Arg671Cys. To our knowledge, this variant has not been reported in the literature. This variant is present in 0.024% of alleles in individuals of European (Non-Finnish) descent in gnomAD. At this time, the clinical significance of this variant is uncertain due to the absence of conclusive functional and genetic evidence.

Blueprint Genetics
Classification: Likely benign. Last evaluated: 2024-03-11. Review status: criteria provided, single submitter. Criteria: ACMG Guidelines, 2015. Collection method: clinical testing. Allele origin: germline.

Department of Pathology and Laboratory Medicine, Sinai Health System
Classification: Uncertain significance for Occult macular dystrophy; Retinitis pigmentosa 88. Last evaluated: 2021-11-09. Review status: criteria provided, single submitter. Criteria: ACMG Guidelines, 2015. Collection method: research. Allele origin: germline.

Ambry Genetics
Classification: Likely benign for Inborn genetic diseases. Last evaluated: 2021-09-15. Review status: criteria provided, single submitter. Criteria: Ambry Variant Classification Scheme 2023. Collection method: clinical testing. Allele origin: germline.